The following is an entry in ClinVar:

NM_003640.5(ELP1):c.2420T>A (p.Leu807Gln)

Gene: ELP1 (elongator acetyltransferase complex subunit 1; minus strand). Cytogenetic location: 9q31.3.
Variant type: single nucleotide variant.
Coding change: c.2420T>A on transcript NM_003640.5 (MANE Select); coding-DNA position 2420, T replaced by A.
Protein change: p.Leu807Gln; replaces leucine 807 with glutamine.
Molecular consequence: missense variant.
Genome position (GRCh38, 1-based): chr9:108,897,229, A>T on the plus strand (T>A on the coding strand, the complement: ELP1 is on the minus strand). VCF-style: chr9-108897229-A-T. GRCh37 (hg19) VCF-style: chr9-111659509-A-T.
Other names: c.2078T>A, p.Leu693Gln (NM_001318360.2); c.1373T>A, p.Leu458Gln (NM_001330749.2); short protein forms L693Q, L458Q, L807Q.
Identifiers: ClinVar variation 1362186 (VCV001362186.5), dbSNP rs2131981963, ClinGen allele CA374421372.

ClinVar aggregate classification (germline): Uncertain significance (1 of 4 stars; one submission).

Submission:

Labcorp Genetics (formerly Invitae), Labcorp
Classification: Uncertain significance. Last evaluated: 2022-07-29. Review status: criteria provided, single submitter. Criteria: Invitae Variant Classification Sherloc (09022015). Collection method: clinical testing. Allele origin: germline.
Comment: This sequence change replaces leucine, which is neutral and non-polar, with glutamine, which is neutral and polar, at codon 807 of the ELP1 protein (p.Leu807Gln). This variant is not present in population databases (gnomAD no frequency). This variant has not been reported in the literature in individuals affected with ELP1-related conditions. ClinVar contains an entry for this variant (Variation ID: 1362186). Algorithms developed to predict the effect of missense changes on protein structure and function output the following: SIFT: "Tolerated"; PolyPhen-2: "Benign"; Align-GVGD: "Class C0". The glutamine amino acid residue is found in multiple mammalian species, which suggests that this missense change does not adversely affect protein function. In summary, the available evidence is currently insufficient to determine the role of this variant in disease. Therefore, it has been classified as a Variant of Uncertain Significance.